The following is an entry in ClinVar:

ClinVar aggregate classification (germline): Uncertain significance (1 of 4 stars; one submission).

Submission:

Women's Health and Genetics/Laboratory Corporation of America, LabCorp
Classification: Uncertain significance. Last evaluated: 2026-05-20. Review status: criteria provided, single submitter. Criteria: LabCorp Variant Classification Summary - May 2015. Collection method: clinical testing. Allele origin: germline.
Comment: Variant summary: The variant involves the deletion of exons 4-22 in the DIAPH3 gene. A presumed nomenclature of c.(390+1_391-1)_(2737+1_2738-1)del has been designated for the purposes of this classification. This Copy Number Variant (CNV) is expected to alter the reading frame and predicted to result in a truncation or absence of the encoded protein due to nonsense mediated decay (NMD). However, current evidence is not sufficient to establish loss of function as a mechanism for disease. The variant was absent in 21694 control chromosomes. The available data on variant occurrences in the general population are insufficient to allow any conclusion about variant significance. To our knowledge, no occurrence of c.(390+1_391-1)_(2737+1_2738-1)del in individuals affected with DIAPH3-related conditions and no experimental evidence demonstrating its impact on protein function have been reported. No submitters have cited clinical-significance assessments for this variant to ClinVar. Based on the evidence outlined above, the variant was classified as uncertain significance.

NC_000013.10:g.(60413583_60435540)_(60667867_60686143)del

Gene: DIAPH3 (diaphanous related formin 3; minus strand). Cytogenetic location: 13q21.2.
Variant type: Deletion.
Identifiers: ClinVar variation 4853753 (VCV004853753.1).